The following is an entry in ClinVar:

NM_004820.5(CYP7B1):c.961G>A (p.Glu321Lys)

Gene: CYP7B1 (cytochrome P450 family 7 subfamily B member 1; minus strand). Cytogenetic location: 8q12.3.
Variant type: single nucleotide variant.
Coding change: c.961G>A on transcript NM_004820.5 (MANE Select); coding-DNA position 961, G replaced by A.
Protein change: p.Glu321Lys; replaces glutamic acid 321 with lysine.
Molecular consequence: missense variant.
Genome position (GRCh38, 1-based): chr8:64,615,122, C>T on the plus strand (G>A on the coding strand, the complement: CYP7B1 is on the minus strand). VCF-style: chr8-64615122-C-T. GRCh37 (hg19) VCF-style: chr8-65527679-C-T.
Other names: c.961G>A, p.Glu321Lys (NM_001324112.2); short protein forms E321K.
Identifiers: ClinVar variation 942745 (VCV000942745.13), dbSNP rs866340497, ClinGen allele CA178389285.

ClinVar aggregate classification (germline): Pathogenic/Likely pathogenic. Review status: criteria provided, multiple submitters, no conflicts (2 of 4 stars). 3 submissions from 3 submitters: Pathogenic (1); Likely pathogenic (2). Last evaluated 2025-03-14.

Conditions:
Hereditary spastic paraplegia. Also called: Familial spastic paraparesis. Identifiers: Orphanet 685, MedGen C0037773, MONDO:0019064. Disease mechanism: loss of function.
Spastic paraplegia. Identifiers: MedGen C0037772, HP:0001258.
Congenital bile acid synthesis defect 3. Identifiers: Orphanet 79302, MedGen C3151147, MONDO:0013439, OMIM 613812.
Hereditary spastic paraplegia 5A (SPG5A). Also called: SPASTIC PARAPLEGIA 5A, AUTOSOMAL RECESSIVE. Identifiers: Orphanet 100986, MedGen C1849115, MONDO:0010047, OMIM 270800.

Allele frequency attached by ClinVar (database versions not stated): gnomAD exomes below 0.00001; TOPMed below 0.00001.
gnomAD v4.1: 3 of 1,613,636 alleles (0.00019%); highest among the groups gnomAD compares: Non-Finnish European, 0.00017%; no homozygotes.

Submissions (3):

GeneDx
Classification: Likely pathogenic. Last evaluated: 2025-03-14. Review status: criteria provided, single submitter. Criteria: GeneDx Variant Classification Process June 2021. Collection method: clinical testing. Allele origin: germline. Affected: yes.
Comment: Not observed at significant frequency in large population cohorts (gnomAD); In silico analysis supports that this missense variant has a deleterious effect on protein structure/function; This variant is associated with the following publications: (PMID: 26214590, 29246610, 29126212)

Labcorp Genetics (formerly Invitae), Labcorp
Classification: Pathogenic for Spastic paraplegia. Last evaluated: 2023-05-20. Review status: criteria provided, single submitter. Criteria: Invitae Variant Classification Sherloc (09022015). Collection method: clinical testing. Allele origin: germline.
Comment: This variant is not present in population databases (gnomAD no frequency). This sequence change replaces glutamic acid, which is acidic and polar, with lysine, which is basic and polar, at codon 321 of the CYP7B1 protein (p.Glu321Lys). This missense change has been observed in individual(s) with hereditary spastic paraplegia (PMID: 29126212). It has also been observed to segregate with disease in related individuals. For these reasons, this variant has been classified as Pathogenic. Advanced modeling of protein sequence and biophysical properties (such as structural, functional, and spatial information, amino acid conservation, physicochemical variation, residue mobility, and thermodynamic stability) performed at Invitae indicates that this missense variant is expected to disrupt CYP7B1 protein function. ClinVar contains an entry for this variant (Variation ID: 942745).

Women's Health and Genetics/Laboratory Corporation of America, LabCorp
Classification: Likely pathogenic for Hereditary spastic paraplegia. Last evaluated: 2022-08-08. Review status: criteria provided, single submitter. Criteria: LabCorp Variant Classification Summary - May 2015. Collection method: clinical testing. Allele origin: germline.
Comment: Variant summary: CYP7B1 c.961G>A (p.Glu321Lys) results in a conservative amino acid change in the encoded protein sequence. Four of five in-silico tools predict a damaging effect of the variant on protein function. The variant was absent in 251118 control chromosomes (gnomAD). c.961G>A has been reported in the literature in trans with a pathogenic variant in at least four related individuals affected with Hereditary Spastic Paraplegia, Type 5a from an affected family in which the variant segregated with the disease phenotype (e.g. Burguez_2017). These data indicate that the variant is likely to be associated with disease. To our knowledge, no experimental evidence demonstrating an impact on protein function has been reported. One clinical diagnostic laboratory has submitted an assessment for this variant to ClinVar after 2014 without evidence for independent evaluation and classified the variant as pathogenic. Based on the evidence outlined above, the variant was classified as likely pathogenic.

Literature cited by the submitters: PubMed 29126212 (cited by Labcorp Genetics (formerly Invitae), Labcorp and Women's Health and Genetics/Laboratory Corporation of America, LabCorp); PubMed 29246610 (cited by Women's Health and Genetics/Laboratory Corporation of America, LabCorp).